The following is an entry in ClinVar:

ClinVar aggregate classification (germline): Pathogenic (1 of 4 stars; one submission).

Submission:

Labcorp Genetics (formerly Invitae), Labcorp
Classification: Pathogenic. Last evaluated: 2022-02-10. Review status: criteria provided, single submitter. Criteria: Invitae Variant Classification Sherloc (09022015). Collection method: clinical testing. Allele origin: germline.
Comment: For these reasons, this variant has been classified as Pathogenic. Algorithms developed to predict the effect of sequence changes on RNA splicing suggest that this variant may disrupt the consensus splice site. This variant is also known as c.2779-2A>C. Disruption of this splice site has been observed in individuals with clinical features of OPA1-related conditions (PMID: 23401657, 28442211). This variant is not present in population databases (gnomAD no frequency). This sequence change affects an acceptor splice site in intron 25 of the OPA1 gene. It is expected to disrupt RNA splicing. Variants that disrupt the donor or acceptor splice site typically lead to a loss of protein function (PMID: 16199547), and loss-of-function variants in OPA1 are known to be pathogenic (PMID: 11440988, 20157015, 20952381, 25012220).

Literature cited by the submitters: PubMed 23401657; PubMed 28442211; PubMed 16199547; PubMed 11440988; PubMed 20157015; PubMed 20952381; PubMed 25012220.

NM_130837.3(OPA1):c.2779-2A>T

Gene: OPA1 (OPA1 mitochondrial dynamin like GTPase; plus strand). Cytogenetic location: 3q29.
Variant type: single nucleotide variant.
Coding change: c.2779-2A>T on transcript NM_130837.3 (MANE Select); the canonical splice acceptor site of the intron before coding-DNA position 2779, A replaced by T.
Molecular consequence: splice acceptor variant.
Genome position (GRCh38, 1-based): chr3:193,666,294, A>T. VCF-style: chr3-193666294-A-T. GRCh37 (hg19) VCF-style: chr3-193384083-A-T.
Other names: c.2242-2A>T (NM_001354664.2); c.2245-2A>T (NM_001354663.2); c.2668-2A>T (NM_130834.3); c.2725-2A>T (NM_130836.3); c.2614-2A>T (NM_015560.3); c.2671-2A>T (NM_130835.3); c.2560-2A>T (NM_130832.3); c.2617-2A>T (NM_130833.3); and 1 more.
Identifiers: ClinVar variation 1451721 (VCV001451721.8), dbSNP rs2109267841, ClinGen allele CA355795990.